The following is an entry in ClinVar:

ClinVar aggregate classification (germline): Uncertain significance (1 of 4 stars; one submission).

Conditions:
Familial cancer of breast. Also called: Hereditary breast cancer; BREAST CANCER, FAMILIAL; hereditary breast carcinoma. Identifiers: Orphanet 227535, MedGen C0346153, MONDO:0016419, OMIM 114480. Disease mechanism: loss of function.

Submission:

Labcorp Genetics (formerly Invitae), Labcorp
Classification: Uncertain significance for Familial cancer of breast. Last evaluated: 2022-12-25. Review status: criteria provided, single submitter. Criteria: Invitae Variant Classification Sherloc (09022015). Collection method: clinical testing. Allele origin: germline.
Comment: In summary, the available evidence is currently insufficient to determine the role of this variant in disease. Therefore, it has been classified as a Variant of Uncertain Significance. Algorithms developed to predict the effect of sequence changes on RNA splicing suggest that this variant may disrupt the consensus splice site. This variant has not been reported in the literature in individuals affected with CHEK2-related conditions. This variant is not present in population databases (gnomAD no frequency). This sequence change falls in intron 8 of the CHEK2 gene. It does not directly change the encoded amino acid sequence of the CHEK2 protein.

NM_007194.4(CHEK2):c.909-29_909-12del

Gene: CHEK2 (checkpoint kinase 2; minus strand). Cytogenetic location: 22q12.1.
Variant type: Deletion.
Coding change: c.909-29_909-12del on transcript NM_007194.4 (MANE Select); 29 bases into the intron before coding-DNA position 909 through 12 bases into the intron before coding-DNA position 909, 18 bases deleted (GAACCCCTTGCCTTGCCT).
Molecular consequence: intron variant.
Genome position (GRCh38, 1-based): chr22:28,699,949-28,699,966, AGGCAAGGCAAGGGGTTC deleted on the plus strand (GAACCCCTTGCCTTGCCT on the coding strand, the reverse complement: CHEK2 is on the minus strand); deleting any 18 consecutive bases within chr22:28,699,949-28,699,967 gives the same sequence; the c. name uses the placement nearest the transcript's 3' end. VCF-style (leftmost placement, unchanged base first): chr22-28699948-AAGGCAAGGCAAGGGGTTC-A. GRCh37 (hg19) VCF-style: chr22-29095936-AAGGCAAGGCAAGGGGTTC-A.
Other names: c.246-29_246-12del (NM_001437942.1, NM_001257387.3); c.708-29_708-12del (NM_001349956.3); c.909-29_909-12del (NM_145862.3); c.1002-29_1002-12del (NM_001438295.1, NM_001438293.1); c.1038-29_1038-12del (NM_001438294.1, NM_001005735.3).
Identifiers: ClinVar variation 2823981 (VCV002823981.3), dbSNP rs2517851977, ClinGen allele CA2739265670.